The following is an entry in ClinVar:

NM_152419.3(HGSNAT):c.1127C>T (p.Ser376Leu)

Gene: HGSNAT (heparan-alpha-glucosaminide N-acetyltransferase; plus strand). Cytogenetic location: 8p11.21.
Variant type: single nucleotide variant.
Coding change: c.1127C>T on transcript NM_152419.3 (MANE Select); coding-DNA position 1127, C replaced by T.
Protein change: p.Ser376Leu; replaces serine 376 with leucine.
Molecular consequence: missense variant.
Genome position (GRCh38, 1-based): chr8:43,182,259, C>T. VCF-style: chr8-43182259-C-T. GRCh37 (hg19) VCF-style: chr8-43037402-C-T.
Other names: c.935C>T, p.Ser312Leu (NM_001363228.2); c.263C>T, p.Ser88Leu (NM_001363229.2); c.1127C>T, p.Ser376Leu (NM_001363227.2); short protein forms S312L, S88L, S376L.
Identifiers: ClinVar variation 1484674 (VCV001484674.4), dbSNP rs762498109, ClinGen allele CA4736750.
Genomic context (GRCh38, chr8:43,182,259, plus strand): 5'-ACTTTGTGGTTGCTGTGTTGGAGCTCCTCTTTGCTAAACCTGTGCCTGAACATTGTGCCT[C>T]GGTGAGAAACCATGTTTTAATTAAGAAAAACTTTTTTTAAATTAAAAAAAATGTATTGTG-3'
Protein context (NP_689632.2, residues 366-386): FAKPVPEHCA[Ser376Leu]ERSCLSLRDI

ClinVar aggregate classification (germline): Uncertain significance. Review status: criteria provided, multiple submitters, no conflicts (2 of 4 stars). 2 submissions from 2 submitters: Uncertain significance (2). Last evaluated 2024-02-21.

Conditions:
Mucopolysaccharidosis, MPS-III-C (MPS3C). Also called: SANFILIPPO SYNDROME C; MPS III C; MPS IIIC (Sanfilippo Syndrome Type C); MUCOPOLYSACCHARIDOSIS, TYPE IIIC; Mucopolysaccharidosis type IIIC (Sanfilippo C); mucopolysaccharidosis type 3C. Identifiers: Orphanet 581, Orphanet 79271, MedGen C0086649, MONDO:0009657, OMIM 252930.
Retinitis pigmentosa 73 (RP73). Identifiers: Orphanet 791, MedGen C4225287, MONDO:0014687, OMIM 616544.

Allele frequency attached by ClinVar (database versions not stated): TOPMed 0.00002; ExAC 0.00002; gnomAD exomes 0.00002; gnomAD 0.00003.
gnomAD v4.1: 28 of 1,608,630 alleles (0.0017%); highest among the groups gnomAD compares: African/African-American, 0.0054%; no homozygotes.

Submissions (2):

Blueprint Genetics
Classification: Uncertain significance. Last evaluated: 2024-02-21. Review status: criteria provided, single submitter. Criteria: ACMG Guidelines, 2015. Collection method: clinical testing. Allele origin: germline.

Labcorp Genetics (formerly Invitae), Labcorp
Classification: Uncertain significance for Retinitis pigmentosa 73; Mucopolysaccharidosis, MPS-III-C. Last evaluated: 2022-06-24. Review status: criteria provided, single submitter. Criteria: Invitae Variant Classification Sherloc (09022015). Collection method: clinical testing. Allele origin: germline.
Comment: This sequence change replaces serine, which is neutral and polar, with leucine, which is neutral and non-polar, at codon 376 of the HGSNAT protein (p.Ser376Leu). This variant is present in population databases (rs762498109, gnomAD 0.008%). This variant has not been reported in the literature in individuals affected with HGSNAT-related conditions. Algorithms developed to predict the effect of missense changes on protein structure and function output the following: SIFT: "Tolerated"; PolyPhen-2: "Benign"; Align-GVGD: "Class C0". The leucine amino acid residue is found in multiple mammalian species, which suggests that this missense change does not adversely affect protein function. Algorithms developed to predict the effect of sequence changes on RNA splicing suggest that this variant may disrupt the consensus splice site. In summary, the available evidence is currently insufficient to determine the role of this variant in disease. Therefore, it has been classified as a Variant of Uncertain Significance.